The following is an entry in ClinVar:

ClinVar aggregate classification (germline): Benign/Likely benign. Review status: criteria provided, multiple submitters, no conflicts (2 of 4 stars). 3 submissions from 2 submitters: Benign (2); Likely benign (1). Last evaluated 2025-09-22.

Conditions:
Brain small vessel disease 1 with or without ocular anomalies (BSVD1). Also called: BRAIN SMALL VESSEL DISEASE WITH HEMORRHAGE; GOULD SYNDROME 1; PORENCEPHALY, TYPE 1, AUTOSOMAL DOMINANT; Brain small vessel disease with or without ocular anomalies. Identifiers: Orphanet 2940, Orphanet 36383, Orphanet 99810, MedGen C4755307, MONDO:0008289, OMIM 175780.
Autosomal dominant familial hematuria-retinal arteriolar tortuosity-contractures syndrome. Also called: Angiopathy, hereditary, with nephropathy, aneurysms, and muscle cramps; Hereditary Angiopathy with Nephropathy, Aneurysms, and Muscle Cramps (HANAC) Syndrome. Identifiers: Orphanet 73229, MedGen C2673195, MONDO:0012726, OMIM 611773.

Allele frequency attached by ClinVar (database versions not stated): 1000 Genomes Project 0.00020; TOPMed 0.00002; ExAC 0.00004; gnomAD 0.00004 and 0.00005; gnomAD exomes 0.00005; 1000 Genomes Project 30x 0.00016.
gnomAD v4.1: 39 of 1,611,382 alleles (0.0024%); highest among the groups gnomAD compares: South Asian, 0.0099%; no homozygotes.

Submissions (3):

Labcorp Genetics (formerly Invitae), Labcorp
Classification: Likely benign. Last evaluated: 2025-09-22. Review status: criteria provided, single submitter. Criteria: Invitae Variant Classification Sherloc (09022015). Collection method: clinical testing. Allele origin: germline.

Illumina Laboratory Services, Illumina
Classification: Benign for Autosomal dominant familial hematuria-retinal arteriolar tortuosity-contractures syndrome. Last evaluated: 2018-01-13. Review status: criteria provided, single submitter. Criteria: ICSL Variant Classification Criteria 13 December 2019. Collection method: clinical testing. Allele origin: germline.
Comment: This variant was observed in the ICSL laboratory as part of a predisposition screen in an ostensibly healthy population. It had not been previously curated by ICSL or reported in the Human Gene Mutation Database (HGMD: prior to June 1st, 2018), and was therefore a candidate for classification through an automated scoring system. Utilizing variant allele frequency, disease prevalence and penetrance estimates, and inheritance mode, an automated score was calculated to assess if this variant is too frequent to cause the disease. Based on the score and internal cut-off values, a variant classified as benign is not then subjected to further curation. The score for this variant resulted in a classification of benign for this disease.

Illumina Laboratory Services, Illumina
Classification: Benign for Brain small vessel disease 1 with or without ocular anomalies. Last evaluated: 2018-01-13. Review status: criteria provided, single submitter. Criteria: ICSL Variant Classification Criteria 13 December 2019. Collection method: clinical testing. Allele origin: germline.
Comment: the same text as in the submission from Illumina Laboratory Services, Illumina above.

NM_001845.6(COL4A1):c.2103C>T (p.Asp701=)

Gene: COL4A1 (collagen type IV alpha 1 chain; minus strand). Cytogenetic location: 13q34.
Variant type: single nucleotide variant.
Coding change: c.2103C>T on transcript NM_001845.6 (MANE Select); coding-DNA position 2103, C replaced by T.
Protein change: p.Asp701=; no amino-acid change (aspartic acid 701 retained).
Molecular consequence: synonymous variant.
Genome position (GRCh38, 1-based): chr13:110,181,382, G>A on the plus strand (C>T on the coding strand, the complement: COL4A1 is on the minus strand). VCF-style: chr13-110181382-G-A. GRCh37 (hg19) VCF-style: chr13-110833729-G-A.
Identifiers: ClinVar variation 311058 (VCV000311058.16), dbSNP rs561116319, ClinGen allele CA7047697.